The following is an entry in ClinVar:

NM_002878.4(RAD51D):c.577-2A>T

Genes: RAD51D (RAD51 paralog D; minus strand), RAD51L3-RFFL (RAD51L3-RFFL readthrough; minus strand). Cytogenetic location: 17q12.
Variant type: single nucleotide variant.
Coding change: c.577-2A>T on transcript NM_002878.4 (MANE Select); the canonical splice acceptor site of the intron before coding-DNA position 577, A replaced by T.
Molecular consequence: splice acceptor variant.
Genome position (GRCh38, 1-based): chr17:35,103,546, T>A on the plus strand (A>T on the coding strand, the complement: RAD51D is on the minus strand). VCF-style: chr17-35103546-T-A. GRCh37 (hg19) VCF-style: chr17-33430565-T-A.
Other names: c.241-2A>T (NM_133629.3); c.637-2A>T (NM_001142571.2).
Identifiers: ClinVar variation 3894341 (VCV003894341.1).

ClinVar aggregate classification (germline): Likely pathogenic (1 of 4 stars; one submission).

Conditions:
Hereditary cancer-predisposing syndrome. Also called: Neoplastic Syndromes, Hereditary; Tumor predisposition; Hereditary Cancer Syndrome; Hereditary neoplastic syndrome. Identifiers: Orphanet 140162, MedGen C0027672, MeSH D009386, MONDO:0015356.

Submission:

Color Diagnostics, LLC DBA Color Health
Classification: Likely pathogenic for Hereditary cancer-predisposing syndrome. Last evaluated: 2024-01-22. Review status: criteria provided, single submitter. Criteria: ACMG Guidelines, 2015. Collection method: clinical testing. Allele origin: germline.
Comment: This variant causes an A>T nucleotide substitution at the -2 position of intron 6 of the RAD51D gene. Splice site prediction tools suggest that this variant may have a significant impact on RNA splicing. Although this prediction has not been confirmed in published RNA studies, this variant is expected to result in an absent or disrupted protein product. This variant has not been reported in individuals affected with RAD51D-related disorders in the literature. This variant has not been identified in the general population by the Genome Aggregation Database (gnomAD). A different variant at the same position, c.577-2A>G, has been classified as pathogenic by multiple entries in ClinVar (Variation ID: 482184). Based on the available evidence, this variant is classified as Likely Pathogenic.